The following is an entry in ClinVar:

NM_002345.4(LUM):c.507T>C (p.Asn169=)

Gene: LUM (lumican; minus strand). Cytogenetic location: 12q21.33.
Variant type: single nucleotide variant.
Coding change: c.507T>C on transcript NM_002345.4 (MANE Select); coding-DNA position 507, T replaced by C.
Protein change: p.Asn169=; no amino-acid change (asparagine 169 retained).
Molecular consequence: synonymous variant.
Genome position (GRCh38, 1-based): chr12:91,108,473, A>G on the plus strand (T>C on the coding strand, the complement: LUM is on the minus strand). VCF-style: chr12-91108473-A-G. GRCh37 (hg19) VCF-style: chr12-91502250-A-G.
Identifiers: ClinVar variation 1275250 (VCV001275250.4), dbSNP rs17853500, ClinGen allele CA6716769.

ClinVar aggregate classification (germline): Benign. Review status: criteria provided, multiple submitters, no conflicts (2 of 4 stars). 3 submissions from 3 submitters: Benign (2). 1 of the submissions does not count toward it. Last evaluated 2021-06-09.

Conditions:
LUM-related disorder. Also called: LUM-related condition.

Allele frequency attached by ClinVar (database versions not stated): ESP Exome Variant Server 0.01692; gnomAD 0.02601 and 0.03132; gnomAD exomes 0.03021 and 0.05218; TOPMed 0.03226; ExAC 0.05171; 1000 Genomes Project 30x 0.08151; 1000 Genomes Project 0.08766.
gnomAD v4.1: 49,511 of 1,614,026 alleles (3.1%); highest among the groups gnomAD compares: East Asian, 24%; 2,123 homozygotes.

Submissions (3):

GeneDx
Classification: Benign. Last evaluated: 2021-06-09. Review status: criteria provided, single submitter. Criteria: GeneDx Variant Classification Process June 2021. Collection method: clinical testing. Allele origin: germline. Affected: yes.

Breakthrough Genomics
Classification: Benign. Review status: criteria provided, single submitter. Criteria: ACMG Guidelines, 2015. Collection method: not provided. Allele origin: germline. Inheritance: Unknown mechanism. Affected: yes.

PreventionGenetics, part of Exact Sciences
Classification: Benign for LUM-related condition. Last evaluated: 2019-02-28. Review status: no assertion criteria provided. Collection method: clinical testing. Allele origin: germline. Not counted in ClinVar's aggregate classification.
Comment: This variant is classified as benign based on ACMG/AMP sequence variant interpretation guidelines (Richards et al. 2015 PMID: 25741868, with internal and published modifications).